The following is an entry in ClinVar:

NM_004329.3(BMPR1A):c.430+4G>A

Gene: BMPR1A (bone morphogenetic protein receptor type 1A; plus strand). Cytogenetic location: 10q23.2.
Variant type: single nucleotide variant.
Coding change: c.430+4G>A on transcript NM_004329.3 (MANE Select); 4 bases into the intron after coding-DNA position 430, G replaced by A.
Molecular consequence: intron variant.
Genome position (GRCh38, 1-based): chr10:86,899,894, G>A. VCF-style: chr10-86899894-G-A. GRCh37 (hg19) VCF-style: chr10-88659651-G-A.
Other names: c.430+4G>A (NM_001406562.1, NM_001406568.1, NM_001406567.1 and 22 more transcripts); c.346+4G>A (NM_001406584.1, NM_001406588.1, NM_001406587.1 and 2 more transcripts); c.333+7665G>A (NM_001406589.1).
Identifiers: ClinVar variation 2856110 (VCV002856110.5), dbSNP rs777139606, ClinGen allele CA2574643878.

ClinVar aggregate classification (germline): Conflicting classifications of pathogenicity. Review status: criteria provided, conflicting classifications (1 of 4 stars). 3 submissions from 3 submitters: Uncertain significance (2); Likely benign (1). Last evaluated 2024-08-01.

Conditions:
Juvenile polyposis syndrome (JPS). Identifiers: Orphanet 2929, MedGen C0345893, MONDO:0017380, OMIM 174900.

Allele frequency attached by ClinVar (database versions not stated): gnomAD exomes below 0.00001.
gnomAD v4.1: 1 of 1,613,716 alleles (0.000062%); highest among the groups gnomAD compares: Non-Finnish European, 0.000085%; no homozygotes.

Submissions (3):

Myriad Genetics, Inc.
Classification: Likely benign for Juvenile polyposis syndrome. Last evaluated: 2024-08-01. Review status: criteria provided, single submitter. Criteria: Myriad Autosomal Dominant, Autosomal Recessive and X-Linked Classification Criteria (2023). Collection method: clinical testing. Allele origin: unknown.
Comment: This variant is considered likely benign. This variant is intronic and is not expected to impact mRNA splicing.

All of Us Research Program, National Institutes of Health
Classification: Uncertain significance for Juvenile polyposis syndrome. Last evaluated: 2023-05-04. Review status: criteria provided, single submitter. Criteria: ACMG Guidelines, 2015. Collection method: clinical testing. Allele origin: germline. Inheritance: Autosomal dominant inheritance. Observed: 1 variant allele, 1 heterozygote.
Comment: This variant causes a G to A nucleotide substitution at the +4 position of intron 6 of the BMPR1A gene. To our knowledge, functional studies have not been reported for this variant. This variant has not been reported in individuals affected with BMPR1A-related disorders in the literature. This variant has not been identified in the general population by the Genome Aggregation Database (gnomAD). The available evidence is insufficient to determine the role of this variant in disease conclusively. Therefore, this variant is classified as a Variant of Uncertain Significance.

This study involves interpretation of variants in research participants for the purpose of population health screening. Participant phenotype was not available at the time of variant classification. Additional details can be found in publication PMID: 35346344, PMCID: PMC8962531

Labcorp Genetics (formerly Invitae), Labcorp
Classification: Uncertain significance for Juvenile polyposis syndrome. Last evaluated: 2023-04-14. Review status: criteria provided, single submitter. Criteria: Invitae Variant Classification Sherloc (09022015). Collection method: clinical testing. Allele origin: germline.
Comment: In summary, the available evidence is currently insufficient to determine the role of this variant in disease. Therefore, it has been classified as a Variant of Uncertain Significance. Variants that disrupt the consensus splice site are a relatively common cause of aberrant splicing (PMID: 17576681, 9536098). Algorithms developed to predict the effect of sequence changes on RNA splicing suggest that this variant is not likely to affect RNA splicing. This variant has not been reported in the literature in individuals affected with BMPR1A-related conditions. This variant is not present in population databases (gnomAD no frequency). This sequence change falls in intron 6 of the BMPR1A gene. It does not directly change the encoded amino acid sequence of the BMPR1A protein. It affects a nucleotide within the consensus splice site.

Literature cited by the submitters: PubMed 17576681 (cited by Labcorp Genetics (formerly Invitae), Labcorp); PubMed 9536098 (cited by Labcorp Genetics (formerly Invitae), Labcorp).